The following is an entry in ClinVar:

NM_000183.3(HADHB):c.1225-1G>A

Gene: HADHB (hydroxyacyl-CoA dehydrogenase trifunctional multienzyme complex subunit beta; plus strand). Cytogenetic location: 2p23.3.
Variant type: single nucleotide variant.
Coding change: c.1225-1G>A on transcript NM_000183.3 (MANE Select); the canonical splice acceptor site of the intron before coding-DNA position 1225, G replaced by A.
Molecular consequence: splice acceptor variant.
Genome position (GRCh38, 1-based): chr2:26,285,406, G>A. VCF-style: chr2-26285406-G-A. GRCh37 (hg19) VCF-style: chr2-26508274-G-A.
Other names: c.1159-1G>A (NM_001281513.2); c.1180-1G>A (NM_001281512.2).
Identifiers: ClinVar variation 2092490 (VCV002092490.4), dbSNP rs2465738712, ClinGen allele CA346096201.

ClinVar aggregate classification (germline): Likely pathogenic (1 of 4 stars; one submission).

Conditions:
Mitochondrial trifunctional protein deficiency. Identifiers: Orphanet 746, MedGen C1969443, MONDO:0012172.

Submission:

Labcorp Genetics (formerly Invitae), Labcorp
Classification: Likely pathogenic for Mitochondrial trifunctional protein deficiency. Last evaluated: 2022-02-25. Review status: criteria provided, single submitter. Criteria: Invitae Variant Classification Sherloc (09022015). Collection method: clinical testing. Allele origin: germline.
Comment: This sequence change affects an acceptor splice site in intron 14 of the HADHB gene. It is expected to disrupt RNA splicing. Variants that disrupt the donor or acceptor splice site typically lead to a loss of protein function (PMID: 16199547), and loss-of-function variants in HADHB are known to be pathogenic (PMID: 9259266, 12754706). This variant is not present in population databases (gnomAD no frequency). This variant has not been reported in the literature in individuals affected with HADHB-related conditions. Algorithms developed to predict the effect of sequence changes on RNA splicing suggest that this variant may disrupt the consensus splice site. In summary, the currently available evidence indicates that the variant is pathogenic, but additional data are needed to prove that conclusively. Therefore, this variant has been classified as Likely Pathogenic.

Literature cited by the submitters: PubMed 16199547; PubMed 9259266; PubMed 12754706.